The following is an entry in ClinVar:

ClinVar aggregate classification (germline): Uncertain significance (1 of 4 stars; one submission).

Conditions:
Inborn genetic diseases. Identifiers: MedGen C0950123, MeSH D030342.

gnomAD v4.1: 6 of 1,614,032 alleles (0.00037%); highest among the groups gnomAD compares: South Asian, 0.0066%; no homozygotes.

Submission:

Ambry Genetics
Classification: Uncertain significance for Inborn genetic diseases. Last evaluated: 2025-03-20. Review status: criteria provided, single submitter. Criteria: Ambry Variant Classification Scheme 2023. Collection method: clinical testing. Allele origin: germline.
Comment: The p.P709S variant (also known as c.2125C>T), located in coding exon 8 of the MECOM gene, results from a C to T substitution at nucleotide position 2125. The proline at codon 709 is replaced by serine, an amino acid with similar properties. This amino acid position is conserved. In addition, the in silico prediction for this alteration is inconclusive. Based on the available evidence, the clinical significance of this variant remains unclear.

NM_004991.4(MECOM):c.2125C>T (p.Pro709Ser)

Gene: MECOM (MDS1 and EVI1 complex locus; minus strand). Cytogenetic location: 3q26.2.
Variant type: single nucleotide variant.
Coding change: c.2125C>T on transcript NM_004991.4 (MANE Select); coding-DNA position 2125, C replaced by T.
Protein change: p.Pro709Ser; replaces proline 709 with serine.
Molecular consequence: missense variant.
Genome position (GRCh38, 1-based): chr3:169,115,747, G>A on the plus strand (C>T on the coding strand, the complement: MECOM is on the minus strand). VCF-style: chr3-169115747-G-A. GRCh37 (hg19) VCF-style: chr3-168833535-G-A.
Other names: c.1756C>T, p.Pro586Ser (NM_001105077.4); c.1561C>T, p.Pro521Ser (NM_001105078.4, NM_001164000.2, NM_001205194.2 and 4 more transcripts); c.1564C>T, p.Pro522Ser (NM_001163999.2, NM_001366467.2, NM_001366468.2 and 1 more transcripts); c.2125C>T, p.Pro709Ser (NM_001366466.2); c.1153C>T, p.Pro385Ser (NM_001366473.2); c.589C>T, p.Pro197Ser (NM_001366474.2); short protein forms P586S, P197S, P385S, P521S, P522S, P709S.
Identifiers: ClinVar variation 4053088 (VCV004053088.1).